The following is an entry in ClinVar:

ClinVar aggregate classification (germline): Conflicting classifications of pathogenicity. Review status: criteria provided, conflicting classifications (1 of 4 stars). 5 submissions from 5 submitters: Uncertain significance (2); Likely benign (2). 1 of the submissions does not count toward it. Last evaluated 2026-01-12.

Conditions:
PIGG-related disorder. Also called: PIGG-related condition.
Intellectual disability, autosomal recessive 53 (NEDHSCA). Also called: NEURODEVELOPMENTAL DISORDER WITH OR WITHOUT HYPOTONIA, SEIZURES, AND CEREBELLAR ATROPHY; GLYCOSYLPHOSPHATIDYLINOSITOL BIOSYNTHESIS DEFECT 13; Mental retardation, autosomal recessive 53. Identifiers: Orphanet 488635, MedGen C4310794, MONDO:0014832, OMIM 616917.
Inborn genetic diseases. Identifiers: MedGen C0950123, MeSH D030342.

Allele frequency attached by ClinVar (database versions not stated): TOPMed 0.00017; gnomAD 0.00032; 1000 Genomes Project 0.00080; ESP Exome Variant Server 0.00009; 1000 Genomes Project 30x 0.00109.

Submissions (5):

Labcorp Genetics (formerly Invitae), Labcorp
Classification: Likely benign for Intellectual disability, autosomal recessive 53. Last evaluated: 2026-01-12. Review status: criteria provided, single submitter. Criteria: Invitae Variant Classification Sherloc (09022015). Collection method: clinical testing. Allele origin: germline.

GeneDx
Classification: Uncertain significance. Last evaluated: 2025-04-29. Review status: criteria provided, single submitter. Criteria: GeneDx Variant Classification Process June 2021. Collection method: clinical testing. Allele origin: germline.
Comment: In silico analysis supports that this missense variant has a deleterious effect on protein structure/function; Has not been previously published as pathogenic or benign to our knowledge

Ambry Genetics
Classification: Likely benign for Inborn genetic diseases. Last evaluated: 2021-11-23. Review status: criteria provided, single submitter. Criteria: Ambry Variant Classification Scheme 2023. Collection method: clinical testing. Allele origin: germline.

Baylor Genetics
Classification: Uncertain significance for Intellectual disability, autosomal recessive 53. Last evaluated: 2019-01-17. Review status: criteria provided, single submitter. Criteria: ACMG Guidelines, 2015. Collection method: clinical testing. Allele origin: maternal. Affected: yes.
Comment: This variant was determined to be of uncertain significance according to ACMG Guidelines, 2015 [PMID:25741868].

PreventionGenetics, part of Exact Sciences
Classification: Likely benign for PIGG-related condition. Last evaluated: 2022-06-22. Review status: no assertion criteria provided. Collection method: clinical testing. Allele origin: germline. Not counted in ClinVar's aggregate classification.
Comment: This variant is classified as likely benign based on ACMG/AMP sequence variant interpretation guidelines (Richards et al. 2015 PMID: 25741868, with internal and published modifications).

NM_001127178.3(PIGG):c.2053G>A (p.Gly685Ser)

Gene: PIGG (phosphatidylinositol glycan anchor biosynthesis class G (EMM blood group); plus strand). Cytogenetic location: 4p16.3.
Variant type: single nucleotide variant.
Coding change: c.2053G>A on transcript NM_001127178.3 (MANE Select); coding-DNA position 2053, G replaced by A.
Protein change: p.Gly685Ser; replaces glycine 685 with serine.
Molecular consequence: missense variant. On other transcripts: non-coding transcript variant (6).
Genome position (GRCh38, 1-based): chr4:523,897, G>A. VCF-style: chr4-523897-G-A. GRCh37 (hg19) VCF-style: chr4-517686-G-A.
Other names: c.1786G>A, p.Gly596Ser (NM_001289051.2, NM_001345986.2); c.1654G>A, p.Gly552Ser (NM_001289052.2); c.1762G>A, p.Gly588Ser (NM_001345987.2); c.1024G>A, p.Gly342Ser (NM_001345988.2); c.520G>A, p.Gly174Ser (NM_001345990.2, NM_001345991.2); c.955G>A, p.Gly319Ser (NM_001345994.2); c.2029G>A, p.Gly677Ser (NM_017733.5); short protein forms G685S, G677S, G174S, G319S, G552S, G596S, G342S, G588S.
Identifiers: ClinVar variation 542901 (VCV000542901.19), dbSNP rs200770933, ClinGen allele CA2793508.